The following is an entry in ClinVar:

NM_021120.4(DLG3):c.124G>A (p.Gly42Ser)

Gene: DLG3 (discs large MAGUK scaffold protein 3; plus strand). Cytogenetic location: Xq13.1.
Variant type: single nucleotide variant.
Coding change: c.124G>A on transcript NM_021120.4 (MANE Select); coding-DNA position 124, G replaced by A.
Protein change: p.Gly42Ser; replaces glycine 42 with serine.
Molecular consequence: missense variant.
Genome position (GRCh38, 1-based): chrX:70,445,325, G>A. VCF-style: chrX-70445325-G-A. GRCh37 (hg19) VCF-style: chrX-69665175-G-A.
Other names: short protein forms G42S.
Identifiers: ClinVar variation 1302556 (VCV001302556.3), dbSNP rs2086554431, ClinGen allele CA413490377.

ClinVar aggregate classification (germline): Uncertain significance (1 of 4 stars; one submission).

Allele frequency attached by ClinVar (database versions not stated): TOPMed below 0.00001.

Submission:

GeneDx
Classification: Uncertain significance. Last evaluated: 2024-06-17. Review status: criteria provided, single submitter. Criteria: GeneDx Variant Classification Process June 2021. Collection method: clinical testing. Allele origin: germline. Affected: yes.
Comment: Not observed at significant frequency in large population cohorts (gnomAD); In silico analysis indicates that this missense variant does not alter protein structure/function; Has not been previously published as pathogenic or benign to our knowledge